The following is an entry in ClinVar:

NM_000275.3(OCA2):c.1951+2T>C

Gene: OCA2 (OCA2 melanosomal transmembrane protein; minus strand). Cytogenetic location: 15q13.1.
Variant type: single nucleotide variant.
Coding change: c.1951+2T>C on transcript NM_000275.3 (MANE Select); the canonical splice donor site of the intron after coding-DNA position 1951, T replaced by C.
Molecular consequence: splice donor variant.
Genome position (GRCh38, 1-based): chr15:27,951,782, A>G on the plus strand (T>C on the coding strand, the complement: OCA2 is on the minus strand). VCF-style: chr15-27951782-A-G. GRCh37 (hg19) VCF-style: chr15-28196928-A-G.
Other names: c.1879+2T>C (NM_001300984.2).
Identifiers: ClinVar variation 2746783 (VCV002746783.3), dbSNP rs2506396018, ClinGen allele CA391364229.
Genomic context (GRCh38, chr15:27,951,782, plus strand): 5'-CTCTGAAACCTTCCCATCCAGAATGTGACAAAGCCTATGAACCAAAGCTAAATTAGACTC[A>G]CCAAGATCAAGATGAATGCCAGGGACAAACGAATTGAGGAAAAACATGAAGATAACAAAT-3'

ClinVar aggregate classification (germline): Pathogenic (1 of 4 stars; one submission).

Submission:

Labcorp Genetics (formerly Invitae), Labcorp
Classification: Pathogenic. Last evaluated: 2023-07-25. Review status: criteria provided, single submitter. Criteria: Invitae Variant Classification Sherloc (09022015). Collection method: clinical testing. Allele origin: germline.
Comment: For these reasons, this variant has been classified as Pathogenic. Algorithms developed to predict the effect of sequence changes on RNA splicing suggest that this variant may disrupt the consensus splice site. Disruption of this splice site has been observed in individuals with ocular albinism (PMID: 20426782; Invitae). This variant is not present in population databases (gnomAD no frequency). This sequence change affects a donor splice site in intron 18 of the OCA2 gene. It is expected to disrupt RNA splicing. Variants that disrupt the donor or acceptor splice site typically lead to a loss of protein function (PMID: 16199547), and loss-of-function variants in OCA2 are known to be pathogenic (PMID: 19865097, 21541274).

Literature cited by the submitters: PubMed 20426782; PubMed 16199547; PubMed 19865097; PubMed 21541274.